The following is an entry in ClinVar:

NM_001368397.1(FRMPD4):c.4823C>A (p.Ala1608Glu)

Gene: FRMPD4 (FERM and PDZ domain containing 4; plus strand). Cytogenetic location: Xp22.2.
Variant type: single nucleotide variant.
Coding change: c.4823C>A on transcript NM_001368397.1 (MANE Select); coding-DNA position 4823, C replaced by A.
Protein change: p.Ala1608Glu; replaces alanine 1608 with glutamic acid.
Molecular consequence: missense variant. On other transcripts: 3 prime UTR variant (6).
Genome position (GRCh38, 1-based): chrX:12,721,392, C>A. VCF-style: chrX-12721392-C-A. GRCh37 (hg19) VCF-style: chrX-12739511-C-A.
Other names: c.4934C>A, p.Ala1645Glu (NM_001368395.3); c.4829C>A, p.Ala1610Glu (NM_001368396.3); c.*859C>A (NM_001368398.3, NM_001368399.3, NM_001368400.3 and 3 more transcripts); short protein forms A1608E, A1610E, A1645E.
Identifiers: ClinVar variation 4872327 (VCV004872327.2).

ClinVar aggregate classification (germline): Uncertain significance (1 of 4 stars; one submission).

Submission:

CeGaT Center for Human Genetics Tuebingen
Classification: Uncertain significance. Last evaluated: 2026-04-01. Review status: criteria provided, single submitter. Criteria: CeGaT Center For Human Genetics Tuebingen Variant Classification Criteria Version 2. Collection method: clinical testing. Allele origin: germline. Affected: yes. Observed: 1 variant allele.
Comment: FRMPD4: PM2